The following is an entry in ClinVar:

NM_021116.4(ADCY1):c.2342C>G (p.Ser781Cys)

Gene: ADCY1 (adenylate cyclase 1; plus strand). Cytogenetic location: 7p12.3.
Variant type: single nucleotide variant.
Coding change: c.2342C>G on transcript NM_021116.4 (MANE Select); coding-DNA position 2342, C replaced by G.
Protein change: p.Ser781Cys; replaces serine 781 with cysteine.
Molecular consequence: missense variant.
Genome position (GRCh38, 1-based): chr7:45,686,561, C>G. VCF-style: chr7-45686561-C-G. GRCh37 (hg19) VCF-style: chr7-45726160-C-G.
Other names: short protein forms S781C.
Identifiers: ClinVar variation 4743084 (VCV004743084.1).

ClinVar aggregate classification (germline): Uncertain significance (1 of 4 stars; one submission).

Submission:

Labcorp Genetics (formerly Invitae), Labcorp
Classification: Uncertain significance. Last evaluated: 2026-01-22. Review status: criteria provided, single submitter. Criteria: Invitae Variant Classification Sherloc (09022015). Collection method: clinical testing. Allele origin: germline.
Comment: This sequence change replaces serine, which is neutral and polar, with cysteine, which is neutral and slightly polar, at codon 781 of the ADCY1 protein (p.Ser781Cys). This variant is not present in population databases (gnomAD no frequency). This variant has not been reported in the literature in individuals affected with ADCY1-related conditions. Invitae Evidence Modeling of protein sequence and biophysical properties (such as structural, functional, and spatial information, amino acid conservation, physicochemical variation, residue mobility, and thermodynamic stability) indicates that this missense variant is not expected to disrupt ADCY1 protein function with a negative predictive value of 80%. In summary, the available evidence is currently insufficient to determine the role of this variant in disease. Therefore, it has been classified as a Variant of Uncertain Significance.